The following is an entry in ClinVar:

ClinVar aggregate classification (germline): Uncertain significance (1 of 4 stars; one submission).

Submission:

Ambry Genetics
Classification: Uncertain significance. Last evaluated: 2024-10-27. Review status: criteria provided, single submitter. Criteria: Ambry Variant Classification Scheme 2023. Collection method: clinical testing. Allele origin: germline.
Comment: The p.E1424D variant (also known as c.4272A>C), located in coding exon 4 of the ALPK2 gene, results from an A to C substitution at nucleotide position 4272. The glutamic acid at codon 1424 is replaced by aspartic acid, an amino acid with highly similar properties. This amino acid position is conserved. In addition, this alteration is predicted to be tolerated by in silico analysis. Based on the available evidence, the clinical significance of this variant remains unclear.

NM_052947.4(ALPK2):c.4272A>C (p.Glu1424Asp)

Genes: ALPK2 (alpha kinase 2; minus strand), LOC126862764 (BRD4-independent group 4 enhancer GRCh37_chr18:56202574-56203773; plus strand). Cytogenetic location: 18q21.31.
Variant type: single nucleotide variant.
Coding change: c.4272A>C on transcript NM_052947.4 (MANE Select); coding-DNA position 4272, A replaced by C.
Protein change: p.Glu1424Asp; replaces glutamic acid 1424 with aspartic acid.
Molecular consequence: missense variant.
Genome position (GRCh38, 1-based): chr18:58,535,915, T>G on the plus strand (A>C on the coding strand, the complement: ALPK2 is on the minus strand). VCF-style: chr18-58535915-T-G. GRCh37 (hg19) VCF-style: chr18-56203147-T-G.
Other names: short protein forms E1424D.
Identifiers: ClinVar variation 3531896 (VCV003531896.1).
Genomic context (GRCh38, chr18:58,535,915, plus strand): 5'-TTCGTGGCCCATGTTTCCGTCATTTGATTGACCCCCTTCTCTGGCGCCCTGTGGTGTGGT[T>G]TCAGAGGGCTCTGGTTTTCCAGCCCTGGTGTACTCTATCACACTTATCTCATCAATGGGA-3'
Protein context (NP_443179.3, residues 1414-1434): YTRAGKPEPS[Glu1424Asp]TTPQGAREGG